The following is an entry in ClinVar:

NM_002476.2(MYL4):c.313+1G>T

Gene: MYL4 (myosin light chain 4; plus strand). Cytogenetic location: 17q21.32.
Variant type: single nucleotide variant.
Coding change: c.313+1G>T on transcript NM_002476.2 (MANE Select); the canonical splice donor site of the intron after coding-DNA position 313, G replaced by T.
Molecular consequence: splice donor variant.
Genome position (GRCh38, 1-based): chr17:47,220,054, G>T. VCF-style: chr17-47220054-G-T. GRCh37 (hg19) VCF-style: chr17-45297420-G-T.
Other names: c.313+1G>T (NM_001002841.2).
Identifiers: ClinVar variation 2090713 (VCV002090713.4), dbSNP rs2547598455, ClinGen allele CA400021441.

ClinVar aggregate classification (germline): Likely pathogenic (1 of 4 stars; one submission).

Conditions:
Atrial fibrillation, familial, 18 (ATFB18). Identifiers: MedGen C4310636, MONDO:0015001, OMIM 617280.

Submission:

Labcorp Genetics (formerly Invitae), Labcorp
Classification: Likely pathogenic for Atrial fibrillation, familial, 18. Last evaluated: 2022-01-28. Review status: criteria provided, single submitter. Criteria: Invitae Variant Classification Sherloc (09022015). Collection method: clinical testing. Allele origin: germline.
Comment: In summary, the currently available evidence indicates that the variant is pathogenic, but additional data are needed to prove that conclusively. Therefore, this variant has been classified as Likely Pathogenic. Algorithms developed to predict the effect of sequence changes on RNA splicing suggest that this variant may disrupt the consensus splice site. This variant has not been reported in the literature in individuals affected with MYL4-related conditions. This variant is not present in population databases (gnomAD no frequency). This sequence change affects a donor splice site in intron 4 of the MYL4 gene. It is expected to disrupt RNA splicing. Variants that disrupt the donor or acceptor splice site typically lead to a loss of protein function (PMID: 16199547), and loss-of-function variants in MYL4 are known to be pathogenic (PMID: 25807286, 27742809).

Literature cited by the submitters: PubMed 16199547; PubMed 25807286; PubMed 27742809.